The following is an entry in ClinVar:

ClinVar aggregate classification (germline): Uncertain significance (1 of 4 stars; one submission).

Allele frequency attached by ClinVar (database versions not stated): gnomAD exomes below 0.00001.
gnomAD v4.1: 2 of 1,614,170 alleles (0.00012%); highest among the groups gnomAD compares: East Asian, 0.0022%; no homozygotes.

Submission:

Labcorp Genetics (formerly Invitae), Labcorp
Classification: Uncertain significance. Last evaluated: 2022-11-29. Review status: criteria provided, single submitter. Criteria: Invitae Variant Classification Sherloc (09022015). Collection method: clinical testing. Allele origin: germline.
Comment: Advanced modeling of protein sequence and biophysical properties (such as structural, functional, and spatial information, amino acid conservation, physicochemical variation, residue mobility, and thermodynamic stability) performed at Invitae indicates that this missense variant is not expected to disrupt MYH3 protein function. In summary, the available evidence is currently insufficient to determine the role of this variant in disease. Therefore, it has been classified as a Variant of Uncertain Significance. This variant has not been reported in the literature in individuals affected with MYH3-related conditions. This sequence change replaces histidine, which is basic and polar, with arginine, which is basic and polar, at codon 970 of the MYH3 protein (p.His970Arg). This variant is present in population databases (no rsID available, gnomAD 0.006%).

NM_002470.4(MYH3):c.2909A>G (p.His970Arg)

Gene: MYH3 (myosin heavy chain 3; minus strand). Cytogenetic location: 17p13.1.
Variant type: single nucleotide variant.
Coding change: c.2909A>G on transcript NM_002470.4 (MANE Select); coding-DNA position 2909, A replaced by G.
Protein change: p.His970Arg; replaces histidine 970 with arginine.
Molecular consequence: missense variant.
Genome position (GRCh38, 1-based): chr17:10,639,576, T>C on the plus strand (A>G on the coding strand, the complement: MYH3 is on the minus strand). VCF-style: chr17-10639576-T-C. GRCh37 (hg19) VCF-style: chr17-10542893-T-C.
Other names: short protein forms H970R.
Identifiers: ClinVar variation 2120614 (VCV002120614.4), dbSNP rs1335377609, ClinGen allele CA398156589.